The following is an entry in ClinVar:

ClinVar aggregate classification (germline): Uncertain significance (1 of 4 stars; one submission).

gnomAD v4.1: 1 of 1,612,494 alleles (0.000062%); highest among the groups gnomAD compares: African/African-American, 0.0013%; no homozygotes.

Submission:

Labcorp Genetics (formerly Invitae), Labcorp
Classification: Uncertain significance. Last evaluated: 2023-03-01. Review status: criteria provided, single submitter. Criteria: Invitae Variant Classification Sherloc (09022015). Collection method: clinical testing. Allele origin: germline.
Comment: The frequency data for this variant in the population databases is considered unreliable, as metrics indicate poor data quality at this position in the gnomAD database. This sequence change replaces aspartic acid, which is acidic and polar, with asparagine, which is neutral and polar, at codon 590 of the SKIV2L protein (p.Asp590Asn). This variant has not been reported in the literature in individuals affected with SKIV2L-related conditions. In summary, the available evidence is currently insufficient to determine the role of this variant in disease. Therefore, it has been classified as a Variant of Uncertain Significance. An algorithm developed to predict the effect of missense changes on protein structure and function (PolyPhen-2) suggests that this variant is likely to be disruptive.

NM_006929.5(SKIC2):c.1768G>A (p.Asp590Asn)

Gene: SKIC2 (SKI2 subunit of superkiller complex; plus strand). Cytogenetic location: 6p21.33.
Variant type: single nucleotide variant.
Coding change: c.1768G>A on transcript NM_006929.5 (MANE Select); coding-DNA position 1768, G replaced by A.
Protein change: p.Asp590Asn; replaces aspartic acid 590 with asparagine.
Molecular consequence: missense variant.
Genome position (GRCh38, 1-based): chr6:31,964,033, G>A. VCF-style: chr6-31964033-G-A. GRCh37 (hg19) VCF-style: chr6-31931810-G-A.
Other names: short protein forms D590N.
Identifiers: ClinVar variation 2791611 (VCV002791611.3), dbSNP rs780882273, ClinGen allele CA363462014.